The following is an entry in ClinVar:

NM_001206641.3(COA6):c.212+29C>T

Gene: COA6 (cytochrome c oxidase assembly factor 6; plus strand). Cytogenetic location: 1q42.2.
Variant type: single nucleotide variant.
Coding change: c.212+29C>T on transcript NM_001206641.3 (MANE Select); 29 bases into the intron after coding-DNA position 212, C replaced by T.
Molecular consequence: intron variant. On other transcripts: 5 prime UTR variant (2).
Genome position (GRCh38, 1-based): chr1:234,373,707, C>T. VCF-style: chr1-234373707-C-T. GRCh37 (hg19) VCF-style: chr1-234509453-C-T.
Other names: c.-12C>T (NM_001012985.2); c.-539C>T (NM_001301733.1).
Identifiers: ClinVar variation 518137 (VCV000518137.1), dbSNP rs778563166, ClinGen allele CA1459982.

ClinVar aggregate classification (germline): Likely benign (1 of 4 stars; one submission).

Allele frequency attached by ClinVar (database versions not stated): gnomAD exomes 0.00001; TOPMed below 0.00001; ExAC 0.00001; gnomAD 0.00001.
gnomAD v4.1: 20 of 1,613,284 alleles (0.0012%); highest among the groups gnomAD compares: Non-Finnish European, 0.0017%; no homozygotes.

Submission:

GeneDx
Classification: Likely benign. Last evaluated: 2017-07-05. Review status: criteria provided, single submitter. Criteria: GeneDx Variant Classification (06012015). Collection method: clinical testing. Allele origin: germline. Affected: yes.
Comment: This variant is considered likely benign or benign based on one or more of the following criteria: it is a conservative change, it occurs at a poorly conserved position in the protein, it is predicted to be benign by multiple in silico algorithms, and/or has population frequency not consistent with disease.